The following is an entry in ClinVar:

ClinVar aggregate classification (germline): Pathogenic/Likely pathogenic. Review status: criteria provided, multiple submitters, no conflicts (2 of 4 stars). 2 submissions from 2 submitters: Pathogenic (1); Likely pathogenic (1). Last evaluated 2021-09-24.

Conditions:
COL4A3-related disorder. Also called: COL4A3-Related Disorders; COL4A3-related condition.

Submissions (2):

Labcorp Genetics (formerly Invitae), Labcorp
Classification: Pathogenic. Last evaluated: 2021-09-24. Review status: criteria provided, single submitter. Criteria: Invitae Variant Classification Sherloc (09022015). Collection method: clinical testing. Allele origin: germline.
Comment: This sequence change replaces glycine with arginine at codon 631 of the COL4A3 protein (p.Gly631Arg). The glycine residue is highly conserved and there is a moderate physicochemical difference between glycine and arginine. For these reasons, this variant has been classified as Pathogenic. This variant disrupts the p.Gly631 amino acid residue in COL4A3. Other variant(s) that disrupt this residue have been determined to be pathogenic (PMID: 26809805, 29100090). This suggests that this residue is clinically significant, and that variants that disrupt this residue are likely to be disease-causing. Advanced modeling of protein sequence and biophysical properties (such as structural, functional, and spatial information, amino acid conservation, physicochemical variation, residue mobility, and thermodynamic stability) performed at Invitae indicates that this missense variant is expected to disrupt COL4A3 protein function. This missense change has been observed in individuals with Alport syndrome (PMID: 31925849; Invitae). This variant is not present in population databases (ExAC no frequency).

Blueprint Genetics
Classification: Likely pathogenic for COL4A3-related disorders. Last evaluated: 2018-11-30. Review status: criteria provided, single submitter. Criteria: ACMG Guidelines, 2015. Collection method: clinical testing. Allele origin: germline. Affected: yes. Observed: 1 variant allele.

Literature cited by the submitters: PubMed 26809805 (cited by Labcorp Genetics (formerly Invitae), Labcorp); PubMed 29100090 (cited by Labcorp Genetics (formerly Invitae), Labcorp); PubMed 31925849 (cited by Labcorp Genetics (formerly Invitae), Labcorp).

NM_000091.5(COL4A3):c.1891G>A (p.Gly631Arg)

Genes: COL4A3 (collagen type IV alpha 3 chain; plus strand), MFF-DT (MFF divergent transcript; minus strand). Cytogenetic location: 2q36.3.
Variant type: single nucleotide variant.
Coding change: c.1891G>A on transcript NM_000091.5 (MANE Select); coding-DNA position 1891, G replaced by A.
Protein change: p.Gly631Arg; replaces glycine 631 with arginine.
Molecular consequence: missense variant.
Genome position (GRCh38, 1-based): chr2:227,273,081, G>A. VCF-style: chr2-227273081-G-A. GRCh37 (hg19) VCF-style: chr2-228137797-G-A.
Other names: short protein forms G631R.
Identifiers: ClinVar variation 1454067 (VCV001454067.7), dbSNP rs2125996582, ClinGen allele CA350845006.